The following is an entry in ClinVar:

NM_000287.4(PEX6):c.1706T>C (p.Val569Ala)

Gene: PEX6 (peroxisomal biogenesis factor 6; minus strand). Cytogenetic location: 6p21.1.
Variant type: single nucleotide variant.
Coding change: c.1706T>C on transcript NM_000287.4 (MANE Select); coding-DNA position 1706, T replaced by C.
Protein change: p.Val569Ala; replaces valine 569 with alanine.
Molecular consequence: missense variant. On other transcripts: non-coding transcript variant (1).
Genome position (GRCh38, 1-based): chr6:42,967,546, A>G on the plus strand (T>C on the coding strand, the complement: PEX6 is on the minus strand). VCF-style: chr6-42967546-A-G. GRCh37 (hg19) VCF-style: chr6-42935284-A-G.
Other names: c.1706T>C (NM_000287.3); c.1442T>C, p.Val481Ala (NM_001316313.2); short protein forms V481A, V569A.
Identifiers: ClinVar variation 2194943 (VCV002194943.4), dbSNP rs375243798, ClinGen allele CA3811235.

ClinVar aggregate classification (germline): Uncertain significance. Review status: criteria provided, multiple submitters, no conflicts (2 of 4 stars). 3 submissions from 3 submitters: Uncertain significance (3). Last evaluated 2025-10-21.

Conditions:
PEX6-related disorder. Also called: PEX6-related disorders; PEX6-related condition.
Inborn genetic diseases. Identifiers: MedGen C0950123, MeSH D030342.
Peroxisome biogenesis disorder. Identifiers: Orphanet 79189, MedGen C1832200, MONDO:0019234. Disease mechanism: loss of function.

Allele frequency attached by ClinVar (database versions not stated): ExAC 0.00001; gnomAD 0.00002; TOPMed 0.00002; gnomAD exomes 0.00005; ESP Exome Variant Server 0.00008.
gnomAD v4.1: 68 of 1,603,412 alleles (0.0042%); highest among the groups gnomAD compares: Non-Finnish European, 0.0058%; no homozygotes.

Submissions (3):

Labcorp Genetics (formerly Invitae), Labcorp
Classification: Uncertain significance for Peroxisome biogenesis disorder. Last evaluated: 2025-10-21. Review status: criteria provided, single submitter. Criteria: Invitae Variant Classification Sherloc (09022015). Collection method: clinical testing. Allele origin: germline.
Comment: This sequence change replaces valine, which is neutral and non-polar, with alanine, which is neutral and non-polar, at codon 569 of the PEX6 protein (p.Val569Ala). This variant is present in population databases (rs375243798, gnomAD 0.006%). This variant has not been reported in the literature in individuals affected with PEX6-related conditions. ClinVar contains an entry for this variant (Variation ID: 2194943). Invitae Evidence Modeling of protein sequence and biophysical properties (such as structural, functional, and spatial information, amino acid conservation, physicochemical variation, residue mobility, and thermodynamic stability) indicates that this missense variant is not expected to disrupt PEX6 protein function with a negative predictive value of 80%. In summary, the available evidence is currently insufficient to determine the role of this variant in disease. Therefore, it has been classified as a Variant of Uncertain Significance.

Ambry Genetics
Classification: Uncertain significance for Inborn genetic diseases. Last evaluated: 2025-07-01. Review status: criteria provided, single submitter. Criteria: Ambry Variant Classification Scheme 2023. Collection method: clinical testing. Allele origin: germline.

PreventionGenetics, part of Exact Sciences
Classification: Uncertain significance for PEX6-related condition. Last evaluated: 2022-08-29. Review status: criteria provided, single submitter. Criteria: ACMG Guidelines, 2015. Collection method: clinical testing. Allele origin: germline.
Comment: The PEX6 c.1706T>C variant is predicted to result in the amino acid substitution p.Val569Ala. To our knowledge, this variant has not been reported in the literature. This variant is reported in 0.0058% of alleles in individuals of European (Non-Finnish) descent in gnomAD. At this time, the clinical significance of this variant is uncertain due to the absence of conclusive functional and genetic evidence.